The following is an entry in ClinVar:

ClinVar aggregate classification (germline): Likely benign. Review status: criteria provided, multiple submitters, no conflicts (2 of 4 stars). 2 submissions from 2 submitters: Likely benign (2). Last evaluated 2026-09-01.

Allele frequency attached by ClinVar (database versions not stated): gnomAD exomes 0.00003 and 0.00002; ExAC 0.00004; gnomAD 0.00005; TOPMed 0.00005.
gnomAD v4.1: 46 of 1,614,278 alleles (0.0028%); highest among the groups gnomAD compares: Middle Eastern, 0.12%; no homozygotes.

Submissions (2):

CeGaT Center for Human Genetics Tuebingen
Classification: Likely benign. Last evaluated: 2026-09-01. Review status: criteria provided, single submitter. Criteria: CeGaT Center For Human Genetics Tuebingen Variant Classification Criteria Version 2. Collection method: clinical testing. Allele origin: germline. Affected: yes. Observed: 1 variant allele.
Comment: DNAJC17: BP4, BP7

Labcorp Genetics (formerly Invitae), Labcorp
Classification: Likely benign. Last evaluated: 2025-03-01. Review status: criteria provided, single submitter. Criteria: Invitae Variant Classification Sherloc (09022015). Collection method: clinical testing. Allele origin: germline.

NM_018163.3(DNAJC17):c.45G>A (p.Leu15=)

Genes: ZFYVE19 (zinc finger FYVE-type containing 19; plus strand), DNAJC17 (DnaJ heat shock protein family (Hsp40) member C17; minus strand), LOC130056871 (ATAC-STARR-seq lymphoblastoid active region 9265; plus strand). Cytogenetic location: 15q15.1.
Variant type: single nucleotide variant.
Coding change: c.45G>A on transcript NM_018163.3 (MANE Select); coding-DNA position 45, G replaced by A.
Protein change: p.Leu15=; no amino-acid change (leucine 15 retained).
Molecular consequence: synonymous variant. On other transcripts: 5 prime UTR variant (3).
Genome position (GRCh38, 1-based): chr15:40,807,402, C>T on the plus strand (G>A on the coding strand, the complement: DNAJC17 is on the minus strand). VCF-style: chr15-40807402-C-T. GRCh37 (hg19) VCF-style: chr15-41099600-C-T.
Other names: c.-188C>T (NM_001077268.2, NM_001258420.2); c.-516C>T (NM_001258421.2); c.114C>T, p.Ser38= (NM_032850.5).
Identifiers: ClinVar variation 1582252 (VCV001582252.11), dbSNP rs775880641, ClinGen allele CA7485372.